The following is an entry in ClinVar:

NM_001048174.2(MUTYH):c.944T>A (p.Leu315Gln)

Gene: MUTYH (mutY DNA glycosylase; minus strand). Cytogenetic location: 1p34.1.
Variant type: single nucleotide variant.
Coding change: c.944T>A on transcript NM_001048174.2 (MANE Select); coding-DNA position 944, T replaced by A.
Protein change: p.Leu315Gln; replaces leucine 315 with glutamine.
Molecular consequence: missense variant. On other transcripts: non-coding transcript variant (7).
Genome position (GRCh38, 1-based): chr1:45,331,819, A>T on the plus strand (T>A on the coding strand, the complement: MUTYH is on the minus strand). VCF-style: chr1-45331819-A-T. GRCh37 (hg19) VCF-style: chr1-45797491-A-T.
Other names: c.944T>A, p.Leu315Gln (NM_001048171.2, NM_001407070.1, NM_001048173.2 and 6 more transcripts); c.668T>A, p.Leu223Gln (NM_001293196.2, NM_001293192.2, NM_001407091.1); c.599T>A, p.Leu200Gln (NM_001350650.2, NM_001350651.2, NM_001407082.1); c.947T>A, p.Leu316Gln (NM_001407071.1, NM_001048172.2, NM_001407078.1 and 1 more transcripts); c.977T>A, p.Leu326Gln (NM_001407069.1, NM_001293191.2, NM_001407077.1); c.1028T>A, p.Leu343Gln (NM_001128425.2); c.989T>A, p.Leu330Gln (NM_001293190.2); c.905T>A, p.Leu302Gln (NM_001407079.1); and 5 more; short protein forms L302Q, L315Q, L301Q, L330Q, L340Q, L343Q, L223Q, L287Q.
Identifiers: ClinVar variation 4112936 (VCV004112936.1).

ClinVar aggregate classification (germline): Uncertain significance (1 of 4 stars; one submission).

Conditions:
Hereditary cancer-predisposing syndrome. Also called: Tumor predisposition; Neoplastic Syndromes, Hereditary; Hereditary neoplastic syndrome; Hereditary Cancer Syndrome. Identifiers: Orphanet 140162, MedGen C0027672, MeSH D009386, MONDO:0015356.

Submission:

Ambry Genetics
Classification: Uncertain significance for Hereditary cancer-predisposing syndrome. Last evaluated: 2025-08-27. Review status: criteria provided, single submitter. Criteria: Ambry Variant Classification Scheme 2023. Collection method: clinical testing. Allele origin: germline.
Comment: The p.L343Q variant (also known as c.1028T>A), located in coding exon 12 of the MUTYH gene, results from a T to A substitution at nucleotide position 1028. The leucine at codon 343 is replaced by glutamine, an amino acid with dissimilar properties. This amino acid position is conserved. In addition, this alteration is predicted to be tolerated by in silico analysis. Based on the available evidence, the clinical significance of this variant remains unclear.